The following is an entry in ClinVar:

ClinVar aggregate classification (germline): Pathogenic (1 of 4 stars; one submission).

Conditions:
Hereditary cancer-predisposing syndrome. Also called: Hereditary neoplastic syndrome; Neoplastic Syndromes, Hereditary; Tumor predisposition; Hereditary Cancer Syndrome. Identifiers: Orphanet 140162, MedGen C0027672, MeSH D009386, MONDO:0015356.

gnomAD v4.1: 1 of 1,614,216 alleles (0.000062%); highest among the groups gnomAD compares: East Asian, 0.0022%; no homozygotes.

Submission:

Ambry Genetics
Classification: Pathogenic for Hereditary cancer-predisposing syndrome. Last evaluated: 2021-08-05. Review status: criteria provided, single submitter. Criteria: Ambry Variant Classification Scheme 2023. Collection method: clinical testing. Allele origin: germline.
Comment: The p.Y2470* pathogenic mutation (also known as c.7410T>A), located in coding exon 49 of the ATM gene, results from a T to A substitution at nucleotide position 7410. This changes the amino acid from a tyrosine to a stop codon within coding exon 49. This alteration is expected to result in loss of function by premature protein truncation or nonsense-mediated mRNA decay. As such, this alteration is interpreted as a disease-causing mutation.

NM_000051.4(ATM):c.7410T>A (p.Tyr2470Ter)

Genes: C11orf65 (chromosome 11 open reading frame 65; minus strand), ATM (ATM serine/threonine kinase; plus strand). Cytogenetic location: 11q22.3.
Variant type: single nucleotide variant.
Coding change: c.7410T>A on transcript NM_000051.4 (MANE Select); coding-DNA position 7410, T replaced by A.
Protein change: p.Tyr2470Ter; replaces tyrosine 2470 with a stop codon.
Molecular consequence: nonsense. On other transcripts: intron variant (2).
Genome position (GRCh38, 1-based): chr11:108,330,316, T>A. VCF-style: chr11-108330316-T-A. GRCh37 (hg19) VCF-style: chr11-108201043-T-A.
Other names: c.7410T>A, p.Tyr2470Ter (NM_001351834.2); c.641-21245A>T (NM_001330368.2); c.*38+4904A>T (NM_001351110.2); short protein forms Y2470*.
Identifiers: ClinVar variation 1758793 (VCV001758793.2), dbSNP rs1555123144, ClinGen allele CA382560151.